The following is an entry in ClinVar:

NM_001849.4(COL6A2):c.1395+6G>A

Gene: COL6A2 (collagen type VI alpha 2 chain; plus strand). Cytogenetic location: 21q22.3.
Variant type: single nucleotide variant.
Coding change: c.1395+6G>A on transcript NM_001849.4 (MANE Select); 6 bases into the intron after coding-DNA position 1395, G replaced by A.
Molecular consequence: intron variant.
Genome position (GRCh38, 1-based): chr21:46,120,583, G>A. VCF-style: chr21-46120583-G-A. GRCh37 (hg19) VCF-style: chr21-47540497-G-A.
Other names: c.1395+6G>A (NM_058175.3, NM_058174.3).
Identifiers: ClinVar variation 282680 (VCV000282680.13), dbSNP rs886042454, ClinGen allele CA10604267.
Genomic context (GRCh38, chr21:46,120,583, plus strand): 5'-TGGCCCTGAGGGGCCCCGCGGCCTGGCTGGAGAGGTTGGCAACAAAGGAGCCAAGGTAGG[G>A]GAGCAGGGTGGGCCGCACCCCAAGGTAGGGGATCTGAGGGGGTGCAGGGGGGCTGCACCC-3'

ClinVar aggregate classification (germline): Uncertain significance. Review status: criteria provided, multiple submitters, no conflicts (2 of 4 stars). 2 submissions from 2 submitters: Uncertain significance (2). Last evaluated 2025-01-06.

Conditions:
Bethlem myopathy 1A. Also called: Bethlem myopathy 1; MYOPATHY, BENIGN CONGENITAL, WITH CONTRACTURES; Bethlem Muscular Dystrophy. Identifiers: Orphanet 610, MedGen CN029274, MONDO:0024530, OMIM 158810.

Allele frequency attached by ClinVar (database versions not stated): gnomAD exomes below 0.00001 and 0.00003; gnomAD 0.00001; TOPMed 0.00002.
gnomAD v4.1: 3 of 1,459,236 alleles (0.00021%); highest among the groups gnomAD compares: Admixed American, 0.0085%; no homozygotes.

Submissions (2):

Labcorp Genetics (formerly Invitae), Labcorp
Classification: Uncertain significance for Bethlem myopathy 1A. Last evaluated: 2025-01-06. Review status: criteria provided, single submitter. Criteria: Invitae Variant Classification Sherloc (09022015). Collection method: clinical testing. Allele origin: germline.
Comment: This sequence change falls in intron 16 of the COL6A2 gene. It does not directly change the encoded amino acid sequence of the COL6A2 protein. It affects a nucleotide within the consensus splice site. This variant is present in population databases (no rsID available, gnomAD 0.02%). This variant has not been reported in the literature in individuals affected with COL6A2-related conditions. ClinVar contains an entry for this variant (Variation ID: 282680). Variants that disrupt the consensus splice site are a relatively common cause of aberrant splicing (PMID: 17576681, 9536098). Algorithms developed to predict the effect of sequence changes on RNA splicing suggest that this variant is not likely to affect RNA splicing. In summary, the available evidence is currently insufficient to determine the role of this variant in disease. Therefore, it has been classified as a Variant of Uncertain Significance.

Eurofins Ntd Llc (ga)
Classification: Uncertain significance. Last evaluated: 2015-08-14. Review status: criteria provided, single submitter. Criteria: EGL Classification Definitions 2015. Collection method: clinical testing. Allele origin: germline. Observed: 2 variant alleles, 2 heterozygotes.

Literature cited by the submitters: PubMed 17576681 (cited by Labcorp Genetics (formerly Invitae), Labcorp); PubMed 9536098 (cited by Labcorp Genetics (formerly Invitae), Labcorp).